The following is an entry in ClinVar:

ClinVar aggregate classification (germline): Uncertain significance (1 of 4 stars; one submission).

Allele frequency attached by ClinVar (database versions not stated): gnomAD exomes 0.00001; TOPMed 0.00002; gnomAD 0.00005.
gnomAD v4.1: 15 of 1,150,884 alleles (0.0013%); highest among the groups gnomAD compares: Non-Finnish European, 0.0016%; no homozygotes.

Submission:

Women's Health and Genetics/Laboratory Corporation of America, LabCorp
Classification: Uncertain significance. Last evaluated: 2023-07-06. Review status: criteria provided, single submitter. Criteria: LabCorp Variant Classification Summary - May 2015. Collection method: clinical testing. Allele origin: germline.
Comment: Variant summary: RBMX c.389-17T>C alters a non-conserved nucleotide located close to a canonical splice site and therefore could affect mRNA splicing, leading to a significantly altered protein sequence. Computational tools predict no significant impact on normal splicing. However, these predictions have yet to be confirmed by functional studies. The variant allele was found at a frequency of 2e-05 in 245180 control chromosomes, exclusively within the Non-Finnish European subpopulation at a frequency of 4.2e-05 in the gnomAD database (i.e., 5 alleles, including 2 hemizygotes). The available data on variant occurrences in the general population are insufficient to allow any conclusion about variant significance, although the presence of hemizygotes suggest the variant may be benign. To our knowledge, no occurrence of c.389-17T>C in individuals affected with Syndromic X-Linked Intellectual Disability Shashi Type and no experimental evidence demonstrating its impact on protein function have been reported. No submitters have reported clinical-significance assessments for this variant to ClinVar after 2014. Based on the evidence outlined above, the variant was classified as VUS-possibly benign.

NM_002139.4(RBMX):c.389-17T>C

Gene: RBMX (RNA binding motif protein X-linked; minus strand). Cytogenetic location: Xq26.3.
Variant type: single nucleotide variant.
Coding change: c.389-17T>C on transcript NM_002139.4 (MANE Select); 17 bases into the intron before coding-DNA position 389, T replaced by C.
Molecular consequence: intron variant.
Genome position (GRCh38, 1-based): chrX:136,876,672, A>G on the plus strand (T>C on the coding strand, the complement: RBMX is on the minus strand). VCF-style: chrX-136876672-A-G. GRCh37 (hg19) VCF-style: chrX-135958831-A-G.
Other names: c.217-1087T>C (NM_001164803.2).
Identifiers: ClinVar variation 2577367 (VCV002577367.1), dbSNP rs892829356, ClinGen allele CA336288699.